The following is an entry in ClinVar:

NM_006348.5(COG5):c.1556G>C (p.Ser519Thr)

Gene: COG5 (component of oligomeric golgi complex 5; minus strand). Cytogenetic location: 7q22.3.
Variant type: single nucleotide variant.
Coding change: c.1556G>C on transcript NM_006348.5 (MANE Select); coding-DNA position 1556, G replaced by C.
Protein change: p.Ser519Thr; replaces serine 519 with threonine.
Molecular consequence: missense variant.
Genome position (GRCh38, 1-based): chr7:107,281,319, C>G on the plus strand (G>C on the coding strand, the complement: COG5 is on the minus strand). VCF-style: chr7-107281319-C-G. GRCh37 (hg19) VCF-style: chr7-106921764-C-G.
Other names: c.1556G>C, p.Ser519Thr (NM_001161520.2, NM_001379512.1, NM_001379513.1 and 2 more transcripts); c.1394G>C, p.Ser465Thr (NM_001379511.1); c.986G>C, p.Ser329Thr (NM_001379515.1); c.842G>C, p.Ser281Thr (NM_001379516.1); short protein forms S519T, S281T, S329T, S465T.
Identifiers: ClinVar variation 1378261 (VCV001378261.5), dbSNP rs2116796050, ClinGen allele CA368937837.

ClinVar aggregate classification (germline): Uncertain significance (1 of 4 stars; one submission).

Conditions:
COG5-congenital disorder of glycosylation. Also called: CONGENITAL DISORDER OF GLYCOSYLATION, TYPE IIi; CDG IIi; COG5-CDG. Identifiers: Orphanet 263487, MedGen C3150876, MONDO:0013325, OMIM 613612.

gnomAD v4.1: 1 of 1,612,346 alleles (0.000062%); highest among the groups gnomAD compares: Admixed American, 0.0017%; no homozygotes.

Submission:

Labcorp Genetics (formerly Invitae), Labcorp
Classification: Uncertain significance for COG5-congenital disorder of glycosylation. Last evaluated: 2024-02-24. Review status: criteria provided, single submitter. Criteria: Invitae Variant Classification Sherloc (09022015). Collection method: clinical testing. Allele origin: germline.
Comment: This sequence change replaces serine, which is neutral and polar, with threonine, which is neutral and polar, at codon 550 of the COG5 protein (p.Ser550Thr). This variant is not present in population databases (gnomAD no frequency). This variant has not been reported in the literature in individuals affected with COG5-related conditions. ClinVar contains an entry for this variant (Variation ID: 1378261). An algorithm developed to predict the effect of missense changes on protein structure and function (PolyPhen-2) suggests that this variant¬†is likely to be tolerated. In summary, the available evidence is currently insufficient to determine the role of this variant in disease. Therefore, it has been classified as a Variant of Uncertain Significance.